The following is an entry in ClinVar:

ClinVar aggregate classification (germline): Benign. Review status: criteria provided, multiple submitters, no conflicts (2 of 4 stars). 10 submissions from 10 submitters: Benign (7). 3 of the submissions do not count toward it. Last evaluated 2026-02-04.

Conditions:
Brody myopathy. Also called: BRODY DISEASE. Identifiers: Orphanet 53347, MedGen C1832918, MONDO:0010977, OMIM 601003.

Allele frequency attached by ClinVar (database versions not stated): gnomAD exomes 0.35086; gnomAD 0.39672 and 0.40633; ESP Exome Variant Server 0.40365; TOPMed 0.40366; 1000 Genomes Project 0.33886; ExAC 0.34819; 1000 Genomes Project 30x 0.35056.
gnomAD v4.1: 581,179 of 1,613,612 alleles (36%); highest among the groups gnomAD compares: African/African-American, 51%; 109,209 homozygotes.

Submissions (10):

Labcorp Genetics (formerly Invitae), Labcorp
Classification: Benign for Brody myopathy. Last evaluated: 2026-02-04. Review status: criteria provided, single submitter. Criteria: Invitae Variant Classification Sherloc (09022015). Collection method: clinical testing. Allele origin: germline.

Mayo Clinic Laboratories, Mayo Clinic
Classification: Benign. Last evaluated: 2022-03-24. Review status: criteria provided, single submitter. Criteria: ACMG Guidelines, 2015. Collection method: clinical testing. Allele origin: germline. Observed: 322 variant alleles.

Athena Diagnostics
Classification: Benign. Last evaluated: 2018-11-02. Review status: criteria provided, single submitter. Criteria: Athena Diagnostics Criteria. Collection method: clinical testing. Allele origin: germline.

Illumina Laboratory Services, Illumina
Classification: Benign for Brody myopathy. Last evaluated: 2018-01-13. Review status: criteria provided, single submitter. Criteria: ICSL Variant Classification Criteria 13 December 2019. Collection method: clinical testing. Allele origin: germline.
Comment: This variant was observed in the ICSL laboratory as part of a predisposition screen in an ostensibly healthy population. It had not been previously curated by ICSL or reported in the Human Gene Mutation Database (HGMD: prior to June 1st, 2018), and was therefore a candidate for classification through an automated scoring system. Utilizing variant allele frequency, disease prevalence and penetrance estimates, and inheritance mode, an automated score was calculated to assess if this variant is too frequent to cause the disease. Based on the score and internal cut-off values, a variant classified as benign is not then subjected to further curation. The score for this variant resulted in a classification of benign for this disease.

GeneDx
Classification: Benign. Last evaluated: 2016-01-05. Review status: criteria provided, single submitter. Criteria: GeneDx Variant Classification (06012015). Collection method: clinical testing. Allele origin: germline. Affected: yes.
Comment: This variant is considered likely benign or benign based on one or more of the following criteria: it is a conservative change, it occurs at a poorly conserved position in the protein, it is predicted to be benign by multiple in silico algorithms, and/or has population frequency not consistent with disease.

Eurofins Ntd Llc (ga)
Classification: Benign. Last evaluated: 2013-07-29. Review status: criteria provided, single submitter. Criteria: EGL Classification Definitions 2015. Collection method: clinical testing. Allele origin: germline. Observed: 10 variant alleles, 8 heterozygotes, 2 homozygotes.

Breakthrough Genomics
Classification: Benign. Review status: criteria provided, single submitter. Criteria: ACMG Guidelines, 2015. Collection method: not provided. Allele origin: germline. Inheritance: Autosomal recessive inheritance. Affected: yes.

Diagnostic Laboratory, Department of Genetics, University Medical Center Groningen
Classification: Benign for Brody myopathy. Review status: no assertion criteria provided. Collection method: clinical testing. Allele origin: germline. Affected: yes. Study: VKGL Data-share Consensus. Not counted in ClinVar's aggregate classification.

Genome Diagnostics Laboratory, University Medical Center Utrecht
Classification: Benign. Review status: no assertion criteria provided. Collection method: clinical testing. Allele origin: germline. Affected: yes. Study: VKGL Data-share Consensus. Not counted in ClinVar's aggregate classification.

Joint Genome Diagnostic Labs from Nijmegen and Maastricht, Radboudumc and MUMC+
Classification: Benign. Review status: no assertion criteria provided. Collection method: clinical testing. Allele origin: germline. Affected: yes. Study: VKGL Data-share Consensus. Not counted in ClinVar's aggregate classification.

NM_004320.6(ATP2A1):c.678T>C (p.Thr226=)

Gene: ATP2A1 (ATPase sarcoplasmic/endoplasmic reticulum Ca2+ transporting 1; plus strand). Cytogenetic location: 16p11.2.
Variant type: single nucleotide variant.
Coding change: c.678T>C on transcript NM_004320.6 (MANE Select); coding-DNA position 678, T replaced by C.
Protein change: p.Thr226=; no amino-acid change (threonine 226 retained).
Molecular consequence: synonymous variant.
Genome position (GRCh38, 1-based): chr16:28,887,472, T>C. VCF-style: chr16-28887472-T-C. GRCh37 (hg19) VCF-style: chr16-28898793-T-C.
Other names: p.Thr226=; c.303T>C, p.Thr101= (NM_001286075.2); c.678T>C, p.Thr226= (NM_173201.5); c.678T>C (NM_173201.4).
Identifiers: ClinVar variation 96545 (VCV000096545.23), dbSNP rs6565259, ClinGen allele CA149603.